The following is an entry in ClinVar:

NM_001111067.4(ACVR1):c.181G>A (p.Asp61Asn)

Gene: ACVR1 (activin A receptor type 1; minus strand). Cytogenetic location: 2q24.1.
Variant type: single nucleotide variant.
Coding change: c.181G>A on transcript NM_001111067.4 (MANE Select); coding-DNA position 181, G replaced by A.
Protein change: p.Asp61Asn; replaces aspartic acid 61 with asparagine.
Molecular consequence: missense variant.
Genome position (GRCh38, 1-based): chr2:157,780,487, C>T on the plus strand (G>A on the coding strand, the complement: ACVR1 is on the minus strand). VCF-style: chr2-157780487-C-T. GRCh37 (hg19) VCF-style: chr2-158636999-C-T.
Other names: c.181G>A, p.Asp61Asn (NM_001105.5, NM_001347663.1, NM_001347664.1 and 3 more transcripts); short protein forms D61N.
Identifiers: ClinVar variation 1353791 (VCV001353791.6), dbSNP rs772534199, ClinGen allele CA59281061.

ClinVar aggregate classification (germline): Uncertain significance (1 of 4 stars; one submission).

Allele frequency attached by ClinVar (database versions not stated): gnomAD exomes below 0.00001; TOPMed 0.00001.
gnomAD v4.1: 5 of 1,614,068 alleles (0.00031%); highest among the groups gnomAD compares: South Asian, 0.0011%; no homozygotes.

Submission:

Labcorp Genetics (formerly Invitae), Labcorp
Classification: Uncertain significance. Last evaluated: 2025-05-23. Review status: criteria provided, single submitter. Criteria: Invitae Variant Classification Sherloc (09022015). Collection method: clinical testing. Allele origin: germline.
Comment: This sequence change replaces aspartic acid, which is acidic and polar, with asparagine, which is neutral and polar, at codon 61 of the ACVR1 protein (p.Asp61Asn). This variant is present in population databases (rs772534199, gnomAD 0.003%). This variant has not been reported in the literature in individuals affected with ACVR1-related conditions. ClinVar contains an entry for this variant (Variation ID: 1353791). An algorithm developed to predict the effect of missense changes on protein structure and function (PolyPhen-2) suggests that this variant is likely to be tolerated. In summary, the available evidence is currently insufficient to determine the role of this variant in disease. Therefore, it has been classified as a Variant of Uncertain Significance.